The following is an entry in ClinVar:

ClinVar aggregate classification (germline): Uncertain significance (1 of 4 stars; one submission).

Submission:

GeneDx
Classification: Uncertain significance. Last evaluated: 2022-03-10. Review status: criteria provided, single submitter. Criteria: GeneDx Variant Classification Process June 2021. Collection method: clinical testing. Allele origin: germline. Affected: yes.
Comment: Not observed at significant frequency in large population cohorts (gnomAD); In silico analysis supports that this missense variant does not alter protein structure/function; Has not been previously published as pathogenic or benign to our knowledge

NM_006662.3(SRCAP):c.4700C>T (p.Pro1567Leu)

Gene: SRCAP (Snf2 related CREBBP activator protein; plus strand). Cytogenetic location: 16p11.2.
Variant type: single nucleotide variant.
Coding change: c.4700C>T on transcript NM_006662.3 (MANE Select); coding-DNA position 4700, C replaced by T.
Protein change: p.Pro1567Leu; replaces proline 1567 with leucine.
Molecular consequence: missense variant.
Genome position (GRCh38, 1-based): chr16:30,724,124, C>T. VCF-style: chr16-30724124-C-T. GRCh37 (hg19) VCF-style: chr16-30735445-C-T.
Other names: short protein forms P1567L.
Identifiers: ClinVar variation 1704736 (VCV001704736.2), dbSNP rs2506679566, ClinGen allele CA395616477.